The following is an entry in ClinVar:

NM_207361.6(FREM2):c.1250T>C (p.Leu417Pro)

Gene: FREM2 (FRAS1 related extracellular matrix 2; plus strand). Cytogenetic location: 13q13.3.
Variant type: single nucleotide variant.
Coding change: c.1250T>C on transcript NM_207361.6 (MANE Select); coding-DNA position 1250, T replaced by C.
Protein change: p.Leu417Pro; replaces leucine 417 with proline.
Molecular consequence: missense variant.
Genome position (GRCh38, 1-based): chr13:38,688,594, T>C. VCF-style: chr13-38688594-T-C. GRCh37 (hg19) VCF-style: chr13-39262731-T-C.
Other names: short protein forms L417P.
Identifiers: ClinVar variation 729329 (VCV000729329.55), dbSNP rs571694324, ClinGen allele CA6954373.

ClinVar aggregate classification (germline): Conflicting classifications of pathogenicity. Review status: criteria provided, conflicting classifications (1 of 4 stars). 5 submissions from 5 submitters: Uncertain significance (1); Benign (1); Likely benign (1). 2 of the submissions do not count toward it. Last evaluated 2026-01-25.

Conditions:
Fraser syndrome 2 (FRASRS2). Identifiers: MedGen C4540036, MONDO:0054738, OMIM 617666.

Allele frequency attached by ClinVar (database versions not stated): gnomAD 0.00003 and 0.00021; TOPMed 0.00005; gnomAD exomes 0.00049 and 0.00118; ExAC 0.00123; 1000 Genomes Project 30x 0.00203; 1000 Genomes Project 0.00240.
gnomAD v4.1: 761 of 1,614,044 alleles (0.047%); highest among the groups gnomAD compares: South Asian, 0.73%; 20 homozygotes.

Submissions (5):

Labcorp Genetics (formerly Invitae), Labcorp
Classification: Benign. Last evaluated: 2026-01-25. Review status: criteria provided, single submitter. Criteria: Invitae Variant Classification Sherloc (09022015). Collection method: clinical testing. Allele origin: germline.

Illumina Laboratory Services, Illumina
Classification: Likely benign for Fraser syndrome 2. Last evaluated: 2018-03-06. Review status: criteria provided, single submitter. Criteria: ICSL Variant Classification Criteria 13 December 2019. Collection method: clinical testing. Allele origin: germline.
Comment: This variant was observed in the ICSL laboratory as part of a predisposition screen in an ostensibly healthy population. It had not been previously curated by ICSL or reported in the Human Gene Mutation Database (HGMD: prior to June 1st, 2018), and was therefore a candidate for classification through an automated scoring system. Utilizing variant allele frequency, disease prevalence and penetrance estimates, and inheritance mode, an automated score was calculated to assess if this variant is too frequent to cause the disease. Based on the score and internal cut-off values, a variant classified as likely benign is not then subjected to further curation. The score for this variant resulted in a classification of likely benign for this disease.

CeGaT Center for Human Genetics Tuebingen
Classification: Uncertain significance. Last evaluated: 2016-12-01. Review status: criteria provided, single submitter. Criteria: CeGaT Center For Human Genetics Tuebingen Variant Classification Criteria Version 2. Collection method: clinical testing. Allele origin: germline. Affected: yes. Observed: 1 variant allele.

Clinical Genetics DNA and cytogenetics Diagnostics Lab, Erasmus MC, Erasmus Medical Center
Classification: Likely benign. Review status: no assertion criteria provided. Collection method: clinical testing. Allele origin: germline. Affected: yes. Study: VKGL Data-share Consensus. Not counted in ClinVar's aggregate classification.

Genome Diagnostics Laboratory, University Medical Center Utrecht
Classification: Likely benign. Review status: no assertion criteria provided. Collection method: clinical testing. Allele origin: germline. Affected: yes. Study: VKGL Data-share Consensus. Not counted in ClinVar's aggregate classification.